The following is an entry in ClinVar:

ClinVar aggregate classification (germline): Pathogenic. Review status: criteria provided, multiple submitters, no conflicts (2 of 4 stars). 4 submissions from 4 submitters: Pathogenic (3). 1 of the submissions does not count toward it. Last evaluated 2025-09-30.

Conditions:
RYR1-related disorder. Also called: RYR1-related disorders; RYR1-related condition. Identifiers: MedGen CN239331.
Congenital multicore myopathy with external ophthalmoplegia (CMYO1B). Also called: Congenital myopathy 1B, autosomal recessive; Minicore myopathy; MULTICORE MYOPATHY; MULTIMINICORE DISEASE WITH EXTERNAL OPHTHALMOPLEGIA; Minicore myopathy with external ophthalmoplegia. Identifiers: Orphanet 598, Orphanet 98905, MedGen C1850674, MONDO:0009712, OMIM 255320, HP:0003789.

Allele frequency attached by ClinVar (database versions not stated): gnomAD exomes below 0.00001 and 0.00001; ExAC 0.00001.
gnomAD v4.1: 3 of 1,614,216 alleles (0.00019%); highest among the groups gnomAD compares: Admixed American, 0.0017%; no homozygotes.

Submissions (4):

Labcorp Genetics (formerly Invitae), Labcorp
Classification: Pathogenic for RYR1-related disorder. Last evaluated: 2025-09-30. Review status: criteria provided, single submitter. Criteria: Invitae Variant Classification Sherloc (09022015). Collection method: clinical testing. Allele origin: germline.
Comment: This sequence change creates a premature translational stop signal (p.Arg819*) in the RYR1 gene. It is expected to result in an absent or disrupted protein product. Loss-of-function variants in RYR1 are known to be pathogenic (PMID: 23919265, 25960145, 28818389, 30611313). This variant is present in population databases (rs193922774, gnomAD 0.003%). This premature translational stop signal has been observed in individual(s) with autosomal recessive congenital myopathy (PMID: 18253926, 26578207). ClinVar contains an entry for this variant (Variation ID: 133116). For these reasons, this variant has been classified as Pathogenic.

Juno Genomics, Hangzhou Juno Genomics, Inc
Classification: Pathogenic for Congenital multicore myopathy with external ophthalmoplegia. Review status: criteria provided, single submitter. Criteria: ACMG Guidelines, 2015. Collection method: clinical testing. Allele origin: germline.
Comment: Absent from controls (or at extremely low frequency if recessive) in Genome Aggregation Database.;Null variant in a gene where loss of function (LOF) is a known mechanism of disease.;Co-segregation with disease in multiple affected family members.;For recessive disorders, detected in trans with a pathogenic variant.

Suma Genomics
Classification: Pathogenic for Congenital multicore myopathy with external ophthalmoplegia. Review status: criteria provided, single submitter. Criteria: ACMG Guidelines, 2015. Collection method: clinical testing. Allele origin: germline. Inheritance: Autosomal recessive inheritance. Affected: yes. Observed: 1 homozygote.
Comment: This variant is observed in three individuals in the gnomAD database in a heterozygous state. Biallelic loss-of-function variants in RYR1 are associated with Congenital myopathy 1B, autosomal recessive (MIM# 255320). ACMG Classification: Pathogenic ACMG criteria met: PVS1: Null variant in a gene where loss of function is a known mechanism of disease PM2_supporting: Extremely low frequency in gnomAD population databases PP1_Moderate: Co-segregation

RYR1 database
No classification provided. Review status: no classification provided. Collection method: not provided. Allele origin: unknown. Not counted in ClinVar's aggregate classification.

Literature cited by the submitters: PubMed 23919265 (cited by Labcorp Genetics (formerly Invitae), Labcorp); PubMed 25960145 (cited by Labcorp Genetics (formerly Invitae), Labcorp); PubMed 28818389 (cited by Labcorp Genetics (formerly Invitae), Labcorp); PubMed 30611313 (cited by Labcorp Genetics (formerly Invitae), Labcorp); PubMed 18253926 (cited by Labcorp Genetics (formerly Invitae), Labcorp); PubMed 26578207 (cited by Labcorp Genetics (formerly Invitae), Labcorp).

NM_000540.3(RYR1):c.2455C>T (p.Arg819Ter)

Gene: RYR1 (ryanodine receptor 1; plus strand). Cytogenetic location: 19q13.2.
Variant type: single nucleotide variant.
Coding change: c.2455C>T on transcript NM_000540.3 (MANE Select); coding-DNA position 2455, C replaced by T.
Protein change: p.Arg819Ter; replaces arginine 819 with a stop codon.
Molecular consequence: nonsense.
Genome position (GRCh38, 1-based): chr19:38,460,469, C>T. VCF-style: chr19-38460469-C-T. GRCh37 (hg19) VCF-style: chr19-38951109-C-T.
Other names: c.2455C>T, p.Arg819Ter (NM_001042723.2); short protein forms R819*.
Identifiers: ClinVar variation 133116 (VCV000133116.6), dbSNP rs193922774, ClinGen allele CA024351.
Genomic context (GRCh38, chr19:38,460,469, plus strand): 5'-TTCAAGTTCCTGCCCCCACCTGGCTATGCTCCATGCCATGAGGCTGTGCTCCCTCGAGAG[C>T]GACTCCATCTTGAACCCATCAAGGAGTATCGACGGGAGGGGCCCCGGGGGCCTCACCTGG-3'